The following is an entry in ClinVar:

NM_000565.4(IL6R):c.991A>C (p.Met331Leu)

Gene: IL6R (interleukin 6 receptor; plus strand). Cytogenetic location: 1q21.3.
Variant type: single nucleotide variant.
Coding change: c.991A>C on transcript NM_000565.4 (MANE Select); coding-DNA position 991, A replaced by C.
Protein change: p.Met331Leu; replaces methionine 331 with leucine.
Molecular consequence: missense variant.
Genome position (GRCh38, 1-based): chr1:154,448,166, A>C. VCF-style: chr1-154448166-A-C. GRCh37 (hg19) VCF-style: chr1-154420642-A-C.
Other names: c.991A>C, p.Met331Leu (NM_001382769.1, NM_181359.3); c.1084A>C, p.Met362Leu (NM_001382770.1); c.1039A>C, p.Met347Leu (NM_001382771.1, NM_001382773.1); c.985A>C, p.Met329Leu (NM_001382772.1); c.631A>C, p.Met211Leu (NM_001382774.1); short protein forms M211L, M329L, M347L, M362L, M331L.
Identifiers: ClinVar variation 1461836 (VCV001461836.6), dbSNP rs2149261547, ClinGen allele CA342621939.

ClinVar aggregate classification (germline): Uncertain significance (1 of 4 stars; one submission).

Submission:

Labcorp Genetics (formerly Invitae), Labcorp
Classification: Uncertain significance. Last evaluated: 2021-08-08. Review status: criteria provided, single submitter. Criteria: Invitae Variant Classification Sherloc (09022015). Collection method: clinical testing. Allele origin: germline.
Comment: Algorithms developed to predict the effect of missense changes on protein structure and function (SIFT, PolyPhen-2, Align-GVGD) all suggest that this variant is likely to be tolerated. This sequence change replaces methionine with leucine at codon 331 of the IL6R protein (p.Met331Leu). The methionine residue is weakly conserved and there is a small physicochemical difference between methionine and leucine. This variant is not present in population databases (ExAC no frequency). This variant has not been reported in the literature in individuals affected with IL6R-related conditions. In summary, the available evidence is currently insufficient to determine the role of this variant in disease. Therefore, it has been classified as a Variant of Uncertain Significance.